The following is an entry in ClinVar:

NM_002872.5(RAC2):c.477T>C (p.Ala159=)

Gene: RAC2 (Rac family small GTPase 2; minus strand). Cytogenetic location: 22q13.1.
Variant type: single nucleotide variant.
Coding change: c.477T>C on transcript NM_002872.5 (MANE Select); coding-DNA position 477, T replaced by C.
Protein change: p.Ala159=; no amino-acid change (alanine 159 retained).
Molecular consequence: synonymous variant.
Genome position (GRCh38, 1-based): chr22:37,226,775, A>G on the plus strand (T>C on the coding strand, the complement: RAC2 is on the minus strand). VCF-style: chr22-37226775-A-G. GRCh37 (hg19) VCF-style: chr22-37622815-A-G.
Other names: p.A159A:GCT>GCC; p.Ala159=.
Identifiers: ClinVar variation 138864 (VCV000138864.19), dbSNP rs1064498, ClinGen allele CA293016.

ClinVar aggregate classification (germline): Benign/Likely benign. Review status: criteria provided, multiple submitters, no conflicts (2 of 4 stars). 8 submissions from 8 submitters: Benign (7); Likely benign (1). Last evaluated 2026-02-04.

Conditions:
Neutrophil immunodeficiency syndrome. Also called: Immunodeficiency 73A with defective neutrophil chemotaxis and leukocytosis. Identifiers: Orphanet 183707, MedGen C1842398, MONDO:0011988, OMIM 608203.

Allele frequency attached by ClinVar (database versions not stated): gnomAD 0.21883 and 0.22300; ESP Exome Variant Server 0.22532; TOPMed 0.22705; 1000 Genomes Project 30x 0.24516; 1000 Genomes Project 0.24740; ExAC 0.17026.
gnomAD v4.1: 252,284 of 1,612,120 alleles (16%); highest among the groups gnomAD compares: African/African-American, 40%; 22,937 homozygotes.

Submissions (8):

Labcorp Genetics (formerly Invitae), Labcorp
Classification: Benign for Neutrophil immunodeficiency syndrome. Last evaluated: 2026-02-04. Review status: criteria provided, single submitter. Criteria: Invitae Variant Classification Sherloc (09022015). Collection method: clinical testing. Allele origin: germline.

Women's Health and Genetics/Laboratory Corporation of America, LabCorp
Classification: Benign. Last evaluated: 2026-01-21. Review status: criteria provided, single submitter. Criteria: LabCorp Variant Classification Summary - May 2015. Collection method: clinical testing. Allele origin: germline.

Blueprint Genetics
Classification: Likely benign. Last evaluated: 2024-11-28. Review status: criteria provided, single submitter. Criteria: ACMG Guidelines, 2015. Collection method: clinical testing. Allele origin: germline.

Unidad de Genómica Garrahan, Hospital de Pediatría Garrahan
Classification: Benign. Last evaluated: 2024-01-24. Review status: criteria provided, single submitter. Criteria: ACMG Guidelines, 2015. Collection method: clinical testing. Allele origin: germline. Affected: no. Observed: 20 variant alleles.
Comment: This variant is classified as Benign based on local population frequency. This variant was detected in 21% of patients studied by a panel of primary immunodeficiencies. Number of patients: 20. Only high quality variants are reported.

Mayo Clinic Laboratories, Mayo Clinic
Classification: Benign. Last evaluated: 2018-04-30. Review status: criteria provided, single submitter. Criteria: ACMG Guidelines, 2015. Collection method: clinical testing. Allele origin: germline. Observed: 495 variant alleles.

Laboratory for Molecular Medicine, Mass General Brigham Personalized Medicine
Classification: Benign. Last evaluated: 2016-03-28. Review status: criteria provided, single submitter. Criteria: LMM Criteria. Collection method: clinical testing. Allele origin: germline.
Comment: Variant identified in a genome or exome case(s) and assessed due to predicted null impact of the variant or pathogenic assertions in the literature or databases. Disclaimer: This variant has not undergone full assessment. The following are preliminary notes: Frequency

GeneDx
Classification: Benign. Last evaluated: 2013-01-07. Review status: criteria provided, single submitter. Criteria: GeneDx Variant Classification (06012015). Collection method: clinical testing. Allele origin: germline. Affected: yes.
Comment: This variant is considered likely benign or benign based on one or more of the following criteria: it is a conservative change, it occurs at a poorly conserved position in the protein, it is predicted to be benign by multiple in silico algorithms, and/or has population frequency not consistent with disease.

Breakthrough Genomics
Classification: Benign. Review status: criteria provided, single submitter. Criteria: ACMG Guidelines, 2015. Collection method: not provided. Allele origin: germline. Inheritance: Autosomal recessive inheritance. Affected: yes.